The following is an entry in ClinVar:

NM_001080517.3(SETD5):c.515G>A (p.Arg172Gln)

Gene: SETD5 (SET domain containing 5; plus strand). Cytogenetic location: 3p25.3.
Variant type: single nucleotide variant.
Coding change: c.515G>A on transcript NM_001080517.3 (MANE Select); coding-DNA position 515, G replaced by A.
Protein change: p.Arg172Gln; replaces arginine 172 with glutamine.
Molecular consequence: missense variant.
Genome position (GRCh38, 1-based): chr3:9,435,854, G>A. VCF-style: chr3-9435854-G-A. GRCh37 (hg19) VCF-style: chr3-9477538-G-A.
Other names: c.182G>A, p.Arg61Gln (NM_001292043.2, NM_001349451.2); short protein forms R61Q, R172Q.
Identifiers: ClinVar variation 2521050 (VCV002521050.5), dbSNP rs1349032508, ClinGen allele CA351684409.

ClinVar aggregate classification (germline): Conflicting classifications of pathogenicity. Review status: criteria provided, conflicting classifications (1 of 4 stars). 3 submissions from 3 submitters: Likely pathogenic (1); Uncertain significance (1). 1 of the submissions does not count toward it. Last evaluated 2023-09-27.

Conditions:
Intellectual disability-facial dysmorphism syndrome due to SETD5 haploinsufficiency (MRD23). Also called: Intellectual developmental disorder, autosomal dominant 23. Identifiers: Orphanet 404440, MedGen C3810406, MONDO:0014336, OMIM 615761.
Inborn genetic diseases. Identifiers: MedGen C0950123, MeSH D030342.

Allele frequency attached by ClinVar (database versions not stated): gnomAD exomes below 0.00001; TOPMed below 0.00001; gnomAD 0.00001.
gnomAD v4.1: 2 of 1,598,748 alleles (0.00013%); highest among the groups gnomAD compares: African/African-American, 0.0013%; no homozygotes.

Submissions (3):

Institute of Human Genetics, FAU Erlangen, Friedrich-Alexander-Universität Erlangen-Nürnberg
Classification: Likely pathogenic for Intellectual disability-facial dysmorphism syndrome due to SETD5 haploinsufficiency. Last evaluated: 2023-09-27. Review status: criteria provided, single submitter. Criteria: Hauer et al. (Genet Med. 2018). Collection method: clinical testing. Allele origin: germline. Inheritance: Autosomal dominant inheritance. Affected: yes. Observed: 1 variant allele.
Comment: This variant has been identified by standard clinical testing. Selected ACMG criteria: Likely pathogenic (II):PP3;PM2;PS2

Ambry Genetics
Classification: Uncertain significance for Inborn genetic diseases. Last evaluated: 2023-05-16. Review status: criteria provided, single submitter. Criteria: Ambry Variant Classification Scheme 2023. Collection method: clinical testing. Allele origin: germline.

Genetics and Genomic Medicine Centre, NeuroGen Healthcare, NeuroGen Healthcare
Classification: Uncertain significance. Last evaluated: 2020-01-27. Review status: no assertion criteria provided. Collection method: clinical testing. Allele origin: unknown. Affected: yes. Not counted in ClinVar's aggregate classification.